The following is an entry in ClinVar:

ClinVar aggregate classification (germline): Uncertain significance. Review status: criteria provided, multiple submitters, no conflicts (2 of 4 stars). 2 submissions from 2 submitters: Uncertain significance (2). Last evaluated 2026-04-07.

Conditions:
KIDINS220-related disorder. Also called: KIDINS220-related condition.

gnomAD v4.1: 3 of 1,552,584 alleles (0.00019%); highest among the groups gnomAD compares: African/African-American, 0.0027%; no homozygotes.

Submissions (2):

PreventionGenetics, part of Exact Sciences
Classification: Uncertain significance for KIDINS220-related condition. Last evaluated: 2026-04-07. Review status: criteria provided, single submitter. Criteria: ACMG Guidelines, 2015. Collection method: clinical testing. Allele origin: germline.
Comment: The KIDINS220 c.3197G>C variant is predicted to result in the amino acid substitution p.Arg1066Pro. To our knowledge, this variant has not been reported in the literature or in a large population database (gnomAD), indicating this variant is rare. At this time, the clinical significance of this variant is uncertain due to the absence of conclusive functional and genetic evidence.

Labcorp Genetics (formerly Invitae), Labcorp
Classification: Uncertain significance. Last evaluated: 2024-11-17. Review status: criteria provided, single submitter. Criteria: Invitae Variant Classification Sherloc (09022015). Collection method: clinical testing. Allele origin: germline.
Comment: This sequence change replaces arginine, which is basic and polar, with proline, which is neutral and non-polar, at codon 1066 of the KIDINS220 protein (p.Arg1066Pro). This variant is not present in population databases (gnomAD no frequency). This variant has not been reported in the literature in individuals affected with KIDINS220-related conditions. An algorithm developed to predict the effect of missense changes on protein structure and function (PolyPhen-2) suggests that this variant is likely to be disruptive. In summary, the available evidence is currently insufficient to determine the role of this variant in disease. Therefore, it has been classified as a Variant of Uncertain Significance.

NM_020738.4(KIDINS220):c.3197G>C (p.Arg1066Pro)

Gene: KIDINS220 (kinase D interacting substrate 220; minus strand). Cytogenetic location: 2p25.1.
Variant type: single nucleotide variant.
Coding change: c.3197G>C on transcript NM_020738.4 (MANE Select); coding-DNA position 3197, G replaced by C.
Protein change: p.Arg1066Pro; replaces arginine 1066 with proline.
Molecular consequence: missense variant. On other transcripts: non-coding transcript variant (2).
Genome position (GRCh38, 1-based): chr2:8,750,329, C>G on the plus strand (G>C on the coding strand, the complement: KIDINS220 is on the minus strand). VCF-style: chr2-8750329-C-G. GRCh37 (hg19) VCF-style: chr2-8890459-C-G.
Other names: c.3197G>C (NM_020738.2); c.3200G>C, p.Arg1067Pro (NM_001348740.2, NM_001348729.2, NM_001348731.2 and 2 more transcripts); c.3197G>C, p.Arg1066Pro (NM_001348741.2, NM_001348742.2, NM_001348743.2 and 3 more transcripts); c.3071G>C, p.Arg1024Pro (NM_001348736.2); short protein forms R1024P, R1067P, R1066P.
Identifiers: ClinVar variation 3717309 (VCV003717309.3).
Genomic context (GRCh38, chr2:8,750,329, plus strand): 5'-TCATGTAGAGGGAGCGGGGGGTACGCCAGTCCTCCAATACTGATCTGCTCTCTGGCAGCA[C>G]GAACATCTGAAAGATTCAATCAGACCCCAGAAGGCAAGAGAAAACAGGACATTAGGAATC-3'
Protein context (NP_065789.1, residues 1056-1076): PKLREIIADV[Arg1066Pro]AAREQISIGG